The following is an entry in ClinVar:

NM_000238.4(KCNH2):c.881G>C (p.Gly294Ala)

Gene: KCNH2 (potassium voltage-gated channel subfamily H member 2; minus strand). Cytogenetic location: 7q36.1.
Variant type: single nucleotide variant.
Coding change: c.881G>C on transcript NM_000238.4 (MANE Select); coding-DNA position 881, G replaced by C.
Protein change: p.Gly294Ala; replaces glycine 294 with alanine.
Molecular consequence: missense variant. On other transcripts: non-coding transcript variant (1).
Genome position (GRCh38, 1-based): chr7:150,958,094, C>G on the plus strand (G>C on the coding strand, the complement: KCNH2 is on the minus strand). VCF-style: chr7-150958094-C-G. GRCh37 (hg19) VCF-style: chr7-150655182-C-G.
Other names: c.593G>C, p.Gly198Ala (NM_001406753.1, NM_001406756.1); c.704G>C, p.Gly235Ala (NM_001406755.1); c.581G>C, p.Gly194Ala (NM_001406757.1); c.881G>C, p.Gly294Ala (NM_172056.3); short protein forms G194A, G198A, G294A, G235A.
Identifiers: ClinVar variation 3719475 (VCV003719475.2).
Genomic context (GRCh38, chr7:150,958,094, plus strand): 5'-GGAACGGGTCCCGCGGCGCCCTCACCGGTGCTGGCGTGGCGCGGTGGCGGGGGCAGCACC[C>G]CGGCGCGCATGGCCTCGATGTCGTCGGCCGACGAGGCGCGGCGCACGCTGGCGCAGCTTT-3'
Protein context (NP_000229.1, residues 284-304): SADDIEAMRA[Gly294Ala]VLPPPPRHAS

ClinVar aggregate classification (germline): Uncertain significance (1 of 4 stars; one submission).

Conditions:
Long QT syndrome (LQTS). Identifiers: MedGen C0023976, MeSH D008133, MONDO:0002442. Disease mechanism: loss of function. Inheritance: Various modes of inheritance.

Submission:

Labcorp Genetics (formerly Invitae), Labcorp
Classification: Uncertain significance for Long QT syndrome. Last evaluated: 2024-03-11. Review status: criteria provided, single submitter. Criteria: Invitae Variant Classification Sherloc (09022015). Collection method: clinical testing. Allele origin: germline.
Comment: This sequence change replaces glycine, which is neutral and non-polar, with alanine, which is neutral and non-polar, at codon 294 of the KCNH2 protein (p.Gly294Ala). This variant is not present in population databases (gnomAD no frequency). This variant has not been reported in the literature in individuals affected with KCNH2-related conditions. An algorithm developed to predict the effect of missense changes on protein structure and function (PolyPhen-2) suggests that this variant is likely to be tolerated. In summary, the available evidence is currently insufficient to determine the role of this variant in disease. Therefore, it has been classified as a Variant of Uncertain Significance.